The following is an entry in ClinVar:

NM_017999.5(RNF31):c.2803C>T (p.Arg935Trp)

Gene: RNF31 (ring finger protein 31; plus strand). Cytogenetic location: 14q12.
Variant type: single nucleotide variant.
Coding change: c.2803C>T on transcript NM_017999.5 (MANE Select); coding-DNA position 2803, C replaced by T.
Protein change: p.Arg935Trp; replaces arginine 935 with tryptophan.
Molecular consequence: missense variant.
Genome position (GRCh38, 1-based): chr14:24,157,973, C>T. VCF-style: chr14-24157973-C-T. GRCh37 (hg19) VCF-style: chr14-24627182-C-T.
Other names: c.2350C>T, p.Arg784Trp (NM_001310332.2); short protein forms R935W, R784W.
Identifiers: ClinVar variation 4766781 (VCV004766781.1).

ClinVar aggregate classification (germline): Uncertain significance (1 of 4 stars; one submission).

gnomAD v4.1: 4 of 1,614,098 alleles (0.00025%); highest among the groups gnomAD compares: South Asian, 0.0022%; no homozygotes.

Submission:

Labcorp Genetics (formerly Invitae), Labcorp
Classification: Uncertain significance. Last evaluated: 2025-07-19. Review status: criteria provided, single submitter. Criteria: Invitae Variant Classification Sherloc (09022015). Collection method: clinical testing. Allele origin: germline.
Comment: This sequence change replaces arginine, which is basic and polar, with tryptophan, which is neutral and slightly polar, at codon 935 of the RNF31 protein (p.Arg935Trp). This variant is present in population databases (no rsID available, gnomAD 0.003%). This variant has not been reported in the literature in individuals affected with RNF31-related conditions. An algorithm developed to predict the effect of missense changes on protein structure and function (PolyPhen-2) suggests that this variant is likely to be disruptive. In summary, the available evidence is currently insufficient to determine the role of this variant in disease. Therefore, it has been classified as a Variant of Uncertain Significance.